The following is an entry in ClinVar:

NM_001035.3(RYR2):c.3026G>A (p.Arg1009Gln)

Gene: RYR2 (ryanodine receptor 2; plus strand). Cytogenetic location: 1q43.
Variant type: single nucleotide variant.
Coding change: c.3026G>A on transcript NM_001035.3 (MANE Select); coding-DNA position 3026, G replaced by A.
Protein change: p.Arg1009Gln; replaces arginine 1009 with glutamine.
Molecular consequence: missense variant.
Genome position (GRCh38, 1-based): chr1:237,548,550, G>A. VCF-style: chr1-237548550-G-A. GRCh37 (hg19) VCF-style: chr1-237711850-G-A.
Other names: c.3026G>A, p.Arg1009Gln (LRG_402t1); short protein forms R1009Q.
Identifiers: ClinVar variation 404229 (VCV000404229.58), dbSNP rs754812132, ClinGen allele CA086269.

ClinVar aggregate classification (germline): Uncertain significance. Review status: criteria provided, multiple submitters, no conflicts (2 of 4 stars). 7 submissions from 7 submitters: Uncertain significance (7). Last evaluated 2025-12-18.

Conditions:
Cardiovascular phenotype. Identifiers: MedGen CN230736.
Catecholaminergic polymorphic ventricular tachycardia 1. Also called: RYR2-Related Catecholaminergic Polymorphic Ventricular Tachycardia; VENTRICULAR TACHYCARDIA, CATECHOLAMINERGIC POLYMORPHIC, 1, WITH OR WITHOUT ATRIAL DYSFUNCTION AND/OR DILATED CARDIOMYOPATHY; VENTRICULAR TACHYCARDIA, STRESS-INDUCED POLYMORPHIC 1. Identifiers: Orphanet 3286, MedGen C1631597, MONDO:0011484, OMIM 604772.
Ventricular arrhythmias due to cardiac ryanodine receptor calcium release deficiency syndrome. Also called: Autosomal dominant cardiac arrhythmia (Kuhn). Identifiers: MedGen C5542154, MONDO:0020745, OMIM 115000.
Arrhythmogenic right ventricular dysplasia 2. Identifiers: MedGen C1832931.
Catecholaminergic polymorphic ventricular tachycardia (CVPT). Also called: Catecholamine-induced polymorphic ventricular tachycardia. Identifiers: Orphanet 3286, MedGen C5574922, MONDO:0017990.
Cardiomyopathy (CMYO). Also called: Cardiomyopathies. Identifiers: Orphanet 167848, MedGen C0878544, MONDO:0004994, HP:0001638. Inheritance: Various modes of inheritance.

Allele frequency attached by ClinVar (database versions not stated): ExAC 0.00002; gnomAD exomes 0.00003 and 0.00002; gnomAD 0.00001; TOPMed 0.00003.
gnomAD v4.1: 35 of 1,613,850 alleles (0.0022%); highest among the groups gnomAD compares: Middle Eastern, 0.033%; no homozygotes.

Submissions (7):

Labcorp Genetics (formerly Invitae), Labcorp
Classification: Uncertain significance for Catecholaminergic polymorphic ventricular tachycardia 1. Last evaluated: 2025-12-18. Review status: criteria provided, single submitter. Criteria: Invitae Variant Classification Sherloc (09022015). Collection method: clinical testing. Allele origin: germline.
Comment: This sequence change replaces arginine, which is basic and polar, with glutamine, which is neutral and polar, at codon 1009 of the RYR2 protein (p.Arg1009Gln). This variant is present in population databases (rs754812132, gnomAD 0.01%). This variant has not been reported in the literature in individuals affected with RYR2-related conditions. ClinVar contains an entry for this variant (Variation ID: 404229). Invitae Evidence Modeling of protein sequence and biophysical properties (such as structural, functional, and spatial information, amino acid conservation, physicochemical variation, residue mobility, and thermodynamic stability) has been performed for this missense variant. However, the output from this modeling did not meet the statistical confidence thresholds required to predict the impact of this variant on RYR2 protein function. In summary, the available evidence is currently insufficient to determine the role of this variant in disease. Therefore, it has been classified as a Variant of Uncertain Significance.

Ambry Genetics
Classification: Uncertain significance for Cardiovascular phenotype. Last evaluated: 2025-04-19. Review status: criteria provided, single submitter. Criteria: Ambry Variant Classification Scheme 2023. Collection method: clinical testing. Allele origin: germline.
Comment: The p.R1009Q variant (also known as c.3026G>A), located in coding exon 26 of the RYR2 gene, results from a G to A substitution at nucleotide position 3026. The arginine at codon 1009 is replaced by glutamine, an amino acid with highly similar properties. This amino acid position is highly conserved in available vertebrate species. In addition, the in silico prediction for this alteration is inconclusive. Based on the available evidence, the clinical significance of this variant remains unclear.

All of Us Research Program, National Institutes of Health
Classification: Uncertain significance for Catecholaminergic polymorphic ventricular tachycardia. Last evaluated: 2023-10-02. Review status: criteria provided, single submitter. Criteria: ACMG Guidelines, 2015. Collection method: clinical testing. Allele origin: germline. Inheritance: Autosomal dominant inheritance. Observed: 6 variant alleles, 6 heterozygotes.
Comment: This missense variant replaces arginine with glutamine at codon 1009 of the RYR2 protein. Computational prediction is inconclusive regarding the impact of this variant on protein structure and function (internally defined REVEL score threshold 0.5 < inconclusive < 0.7, PMID: 27666373). To our knowledge, functional studies have not been performed for this variant. This variant has not been reported in individuals affected with cardiovascular disorders in the literature. This variant has been identified in 8/280576 chromosomes in the general population by the Genome Aggregation Database (gnomAD). The available evidence is insufficient to determine the role of this variant in disease conclusively. Therefore, this variant is classified as a Variant of Uncertain Significance.

This study involves interpretation of variants in research participants for the purpose of population health screening. Participant phenotype was not available at the time of variant classification. Additional details can be found in publication PMID: 35346344, PMCID: PMC8962531

Color Diagnostics, LLC DBA Color Health
Classification: Uncertain significance for Cardiomyopathy. Last evaluated: 2023-05-24. Review status: criteria provided, single submitter. Criteria: ACMG Guidelines, 2015. Collection method: clinical testing. Allele origin: germline.
Comment: This missense variant replaces arginine with glutamine at codon 1009 of the RYR2 protein. Computational prediction is inconclusive regarding the impact of this variant on protein structure and function (internally defined REVEL score threshold 0.5 < inconclusive < 0.7, PMID: 27666373). To our knowledge, functional studies have not been reported for this variant. This variant has not been reported in individuals affected with RYR2-related disorders in the literature. This variant has been identified in 8/280576 chromosomes in the general population by the Genome Aggregation Database (gnomAD). The available evidence is insufficient to determine the role of this variant in disease conclusively. Therefore, this variant is classified as a Variant of Uncertain Significance.

Fulgent Genetics
Classification: Uncertain significance for Ventricular arrhythmias due to cardiac ryanodine receptor calcium release deficiency syndrome; Catecholaminergic polymorphic ventricular tachycardia 1. Last evaluated: 2021-12-05. Review status: criteria provided, single submitter. Criteria: ACMG Guidelines, 2015. Collection method: clinical testing. Allele origin: unknown.

GeneDx
Classification: Uncertain significance. Last evaluated: 2020-09-23. Review status: criteria provided, single submitter. Criteria: GeneDx Variant Classification Process June 2021. Collection method: clinical testing. Allele origin: germline. Affected: yes.
Comment: Has not been previously published as pathogenic or benign to our knowledge; Reported in ClinVar as a variant of uncertain significance (ClinVar Variant ID# 404229; Landrum et al., 2016); In silico analysis supports that this missense variant has a deleterious effect on protein structure/function; Not located in one of the three hot-spot regions of the RYR2 gene, where the majority of pathogenic missense variants occur (Medeiros-Domingo et al., 2009)

Stanford Center for Inherited Cardiovascular Disease, Stanford University
Classification: Uncertain significance. Last evaluated: 2016-10-03. Review status: criteria provided, single submitter. Criteria: ACMG Guidelines, 2015. Collection method: provider interpretation. Allele origin: germline.